The following is an entry in ClinVar:

ClinVar aggregate classification (germline): Uncertain significance (1 of 4 stars; one submission).

Conditions:
Dyskeratosis congenita, autosomal recessive 6 (DKCB6). Identifiers: MedGen C4225356, MONDO:0014600, OMIM 616353.
Pulmonary fibrosis and/or bone marrow failure, Telomere-related, 4. Also called: PULMONARY FIBROSIS AND/OR BONE MARROW FAILURE SYNDROME, TELOMERE-RELATED, 4. Identifiers: Orphanet 2032, MedGen C4225347, MONDO:0014612, OMIM 616371.

Submission:

Labcorp Genetics (formerly Invitae), Labcorp
Classification: Uncertain significance for Dyskeratosis congenita, autosomal recessive 6; Pulmonary fibrosis and/or bone marrow failure, Telomere-related, 4. Last evaluated: 2024-11-27. Review status: criteria provided, single submitter. Criteria: Invitae Variant Classification Sherloc (09022015). Collection method: clinical testing. Allele origin: germline.
Comment: This sequence change replaces leucine, which is neutral and non-polar, with serine, which is neutral and polar, at codon 327 of the PARN protein (p.Leu327Ser). This variant is not present in population databases (gnomAD no frequency). This variant has not been reported in the literature in individuals affected with PARN-related conditions. Invitae Evidence Modeling of protein sequence and biophysical properties (such as structural, functional, and spatial information, amino acid conservation, physicochemical variation, residue mobility, and thermodynamic stability) indicates that this missense variant is not expected to disrupt PARN protein function with a negative predictive value of 80%. In summary, the available evidence is currently insufficient to determine the role of this variant in disease. Therefore, it has been classified as a Variant of Uncertain Significance.

NM_002582.4(PARN):c.980T>C (p.Leu327Ser)

Gene: PARN (poly(A)-specific ribonuclease; minus strand). Cytogenetic location: 16p13.12.
Variant type: single nucleotide variant.
Coding change: c.980T>C on transcript NM_002582.4 (MANE Select); coding-DNA position 980, T replaced by C.
Protein change: p.Leu327Ser; replaces leucine 327 with serine.
Molecular consequence: missense variant.
Genome position (GRCh38, 1-based): chr16:14,584,774, A>G on the plus strand (T>C on the coding strand, the complement: PARN is on the minus strand). VCF-style: chr16-14584774-A-G. GRCh37 (hg19) VCF-style: chr16-14678631-A-G.
Other names: c.797T>C, p.Leu266Ser (NM_001134477.3); c.842T>C, p.Leu281Ser (NM_001242992.2); short protein forms L266S, L281S, L327S.
Identifiers: ClinVar variation 3762840 (VCV003762840.2).